The following is an entry in ClinVar:

NM_145331.3(MAP3K7):c.1408C>A (p.Pro470Thr)

Gene: MAP3K7 (mitogen-activated protein kinase kinase kinase 7; minus strand). Cytogenetic location: 6q15.
Variant type: single nucleotide variant.
Coding change: c.1408C>A on transcript NM_145331.3 (MANE Select); coding-DNA position 1408, C replaced by A.
Protein change: p.Pro470Thr; replaces proline 470 with threonine.
Molecular consequence: missense variant.
Genome position (GRCh38, 1-based): chr6:90,523,732, G>T on the plus strand (C>A on the coding strand, the complement: MAP3K7 is on the minus strand). VCF-style: chr6-90523732-G-T. GRCh37 (hg19) VCF-style: chr6-91233451-G-T.
Other names: c.1327C>A, p.Pro443Thr (NM_003188.4, NM_145333.3); c.1408C>A, p.Pro470Thr (NM_145332.3); short protein forms P443T, P470T.
Identifiers: ClinVar variation 1050139 (VCV001050139.2), dbSNP rs1003317029, ClinGen allele CA142986043.

ClinVar aggregate classification (germline): Uncertain significance. Review status: criteria provided, single submitter (1 of 4 stars). 2 submissions from 2 submitters: Uncertain significance (1). 1 of the submissions does not count toward it. Last evaluated 2025-09-21.

Allele frequency attached by ClinVar (database versions not stated): gnomAD exomes below 0.00001 and 0.00001; gnomAD 0.00001; TOPMed 0.00001.
gnomAD v4.1: 23 of 1,613,258 alleles (0.0014%); highest among the groups gnomAD compares: Non-Finnish European, 0.0017%; no homozygotes.

Submissions (2):

Labcorp Genetics (formerly Invitae), Labcorp
Classification: Uncertain significance. Last evaluated: 2025-09-21. Review status: criteria provided, single submitter. Criteria: Invitae Variant Classification Sherloc (09022015). Collection method: clinical testing. Allele origin: germline.
Comment: This sequence change replaces proline, which is neutral and non-polar, with threonine, which is neutral and polar, at codon 470 of the MAP3K7 protein (p.Pro470Thr). The frequency data for this variant in the population databases is considered unreliable, as metrics indicate poor data quality at this position in the gnomAD database. This variant has not been reported in the literature in individuals affected with MAP3K7-related conditions. ClinVar contains an entry for this variant (Variation ID: 1050139). An algorithm developed to predict the effect of missense changes on protein structure and function (PolyPhen-2) suggests that this variant is likely to be tolerated. In summary, the available evidence is currently insufficient to determine the role of this variant in disease. Therefore, it has been classified as a Variant of Uncertain Significance.

Department of Pathology and Laboratory Medicine, Sinai Health System
Classification: Benign. Review status: no assertion criteria provided. Collection method: clinical testing. Allele origin: unknown. Affected: yes. Study: The Canadian Open Genetics Repository (COGR). Not counted in ClinVar's aggregate classification.
Comment: The MAP3K7 p.Pro443Thr variant was not identified in the literature nor was it identified in ClinVar or LOVD 3.0. The variant was identified in dbSNP (ID: rs1003317029) and in control databases in 2 of 282668 chromosomes at a frequency of 0.000007075 (Genome Aggregation Database March 6, 2019, v2.1.1). The variant was observed in the European (non-Finnish) population in 2 of 129050 chromosomes (freq: 0.000016), but was not observed in the African, Latino, Ashkenazi Jewish, East Asian, European (Finnish), Other, or South Asian populations. The p.Pro443 residue is conserved across mammals and other organisms, and four out of five computational analyses (PolyPhen-2, SIFT, AlignGVGD, BLOSUM, MutationTaster) suggest that the variant may impact the protein; however, this information is not predictive enough to assume pathogenicity. The variant occurs outside of the splicing consensus sequence and three of four in silico or computational prediction software programs (SpliceSiteFinder, MaxEntScan, NNSPLICE, GeneSplicer) do not predict a greater than 10% difference in splicing; this is not very predictive of pathogenicity. In summary, based on the above information the clinical significance of this variant cannot be determined with certainty at this time. This variant is classified as a variant of uncertain significance.